The following is an entry in ClinVar:

ClinVar aggregate classification (germline): Benign. Review status: criteria provided, multiple submitters, no conflicts (2 of 4 stars). 7 submissions from 7 submitters: Benign (5). 2 of the submissions do not count toward it. Last evaluated 2026-02-02.

Conditions:
Autosomal dominant slowed nerve conduction velocity. Identifiers: Orphanet 140481, MedGen C1842357, MONDO:0011998, OMIM 608236.
ARHGEF10-related disorder. Also called: ARHGEF10-related condition.

Allele frequency attached by ClinVar (database versions not stated): 1000 Genomes Project 0.02256; 1000 Genomes Project 30x 0.02295; TOPMed 0.02809; gnomAD 0.03077 and 0.03098; gnomAD exomes 0.03149 and 0.03855; ESP Exome Variant Server 0.03191; ExAC 0.03248.
gnomAD v4.1: 60,707 of 1,614,074 alleles (3.8%); highest among the groups gnomAD compares: Non-Finnish European, 4.2%; 1,272 homozygotes.

Submissions (7):

Labcorp Genetics (formerly Invitae), Labcorp
Classification: Benign. Last evaluated: 2026-02-02. Review status: criteria provided, single submitter. Criteria: Invitae Variant Classification Sherloc (09022015). Collection method: clinical testing. Allele origin: germline.

ARUP Laboratories, Molecular Genetics and Genomics, ARUP Laboratories
Classification: Benign for Autosomal dominant slowed nerve conduction velocity. Last evaluated: 2023-11-22. Review status: criteria provided, single submitter. Criteria: ARUP Molecular Germline Variant Investigation Process 2024. Collection method: clinical testing. Allele origin: germline.

Clinical Genetics DNA and cytogenetics Diagnostics Lab, Erasmus MC, Erasmus Medical Center
Classification: Benign for Autosomal dominant slowed nerve conduction velocity. Last evaluated: 2015-01-15. Review status: criteria provided, single submitter. Criteria: ACGS Guidelines, 2013. Collection method: clinical testing. Allele origin: germline. Affected: yes. Study: VKGL Data-share Consensus.

Genome Diagnostics Laboratory, University Medical Center Utrecht
Classification: Benign for Autosomal dominant slowed nerve conduction velocity. Last evaluated: 2014-10-09. Review status: criteria provided, single submitter. Criteria: ACGS Guidelines, 2013. Collection method: clinical testing. Allele origin: germline. Affected: yes. Study: VKGL Data-share Consensus.

Breakthrough Genomics
Classification: Benign. Review status: criteria provided, single submitter. Criteria: ACMG Guidelines, 2015. Collection method: not provided. Allele origin: germline. Inheritance: Autosomal dominant inheritance. Affected: yes.

PreventionGenetics, part of Exact Sciences
Classification: Benign for ARHGEF10-related condition. Last evaluated: 2024-08-29. Review status: no assertion criteria provided. Collection method: clinical testing. Allele origin: germline. Not counted in ClinVar's aggregate classification.
Comment: This variant is classified as benign based on ACMG/AMP sequence variant interpretation guidelines (Richards et al. 2015 PMID: 25741868, with internal and published modifications).

Clinical Genetics, Academic Medical Center
Classification: Benign. Review status: no assertion criteria provided. Collection method: clinical testing. Allele origin: germline. Affected: yes. Study: VKGL Data-share Consensus. Not counted in ClinVar's aggregate classification.

NM_014629.4(ARHGEF10):c.2098G>A (p.Val700Ile)

Gene: ARHGEF10 (Rho guanine nucleotide exchange factor 10; plus strand). Cytogenetic location: 8p23.3.
Variant type: single nucleotide variant.
Coding change: c.2098G>A on transcript NM_014629.4 (MANE Select); coding-DNA position 2098, G replaced by A.
Protein change: p.Val700Ile; replaces valine 700 with isoleucine.
Molecular consequence: missense variant.
Genome position (GRCh38, 1-based): chr8:1,909,425, G>A. VCF-style: chr8-1909425-G-A. GRCh37 (hg19) VCF-style: chr8-1857591-G-A.
Other names: c.1984G>A, p.Val662Ile (NM_001308152.2); c.2098G>A, p.Val700Ile (NM_001308153.3); short protein forms V700I, V662I, V724I.
Identifiers: ClinVar variation 439414 (VCV000439414.26), dbSNP rs2294039, ClinGen allele CA4600712.